The following is an entry in ClinVar:

ClinVar aggregate classification (germline): Uncertain significance (1 of 4 stars; one submission).

Conditions:
Inborn genetic diseases. Identifiers: MedGen C0950123, MeSH D030342.

Allele frequency attached by ClinVar (database versions not stated): ExAC 0.00001; gnomAD 0.00001.
gnomAD v4.1: 6 of 1,614,074 alleles (0.00037%); highest among the groups gnomAD compares: South Asian, 0.0033%; no homozygotes.

Submission:

Ambry Genetics
Classification: Uncertain significance for Inborn genetic diseases. Last evaluated: 2024-02-25. Review status: criteria provided, single submitter. Criteria: Ambry Variant Classification Scheme 2023. Collection method: clinical testing. Allele origin: germline.
Comment: The p.E2034K variant (also known as c.6100G>A), located in coding exon 36 of the ATR gene, results from a G to A substitution at nucleotide position 6100. The glutamic acid at codon 2034 is replaced by lysine, an amino acid with similar properties. This amino acid position is conserved. In addition, the in silico prediction for this alteration is inconclusive. Based on the available evidence, the clinical significance of this alteration remains unclear.

NM_001184.4(ATR):c.6100G>A (p.Glu2034Lys)

Genes: ATR (ATR checkpoint kinase; minus strand), LOC126806830 (BRD4-independent group 4 enhancer GRCh37_chr3:142203676-142204875; plus strand). Cytogenetic location: 3q23.
Variant type: single nucleotide variant.
Coding change: c.6100G>A on transcript NM_001184.4 (MANE Select); coding-DNA position 6100, G replaced by A.
Protein change: p.Glu2034Lys; replaces glutamic acid 2034 with lysine.
Molecular consequence: missense variant.
Genome position (GRCh38, 1-based): chr3:142,485,261, C>T on the plus strand (G>A on the coding strand, the complement: ATR is on the minus strand). VCF-style: chr3-142485261-C-T. GRCh37 (hg19) VCF-style: chr3-142204103-C-T.
Other names: c.5908G>A, p.Glu1970Lys (NM_001354579.2); short protein forms E1970K, E2034K.
Identifiers: ClinVar variation 3221241 (VCV003221241.1), dbSNP rs774824076, ClinGen allele CA2649407.
Genomic context (GRCh38, chr3:142,485,261, plus strand): 5'-TGACCATGGGCATCAATTTGTCATAGTACTTGGCAAGGTAAAAATGCCCATCCTCCCATT[C>T]TGGCAGGCACGCGGTCACATCCTATAAAAAAGAACATAGGATACCTACCTAAGGAAATCC-3'
Protein context (NP_001175.2, residues 2024-2044): KYKDVTACLP[Glu2034Lys]WEDGHFYLAK